The following is an entry in ClinVar:

NM_003072.5(SMARCA4):c.3249G>A (p.Glu1083=)

Gene: SMARCA4 (SWI/SNF related BAF chromatin remodeling complex subunit ATPase 4; plus strand). Cytogenetic location: 19p13.2.
Variant type: single nucleotide variant.
Coding change: c.3249G>A on transcript NM_003072.5 (MANE Select); coding-DNA position 3249, G replaced by A.
Protein change: p.Glu1083=; no amino-acid change (glutamic acid 1083 retained).
Molecular consequence: synonymous variant. On other transcripts: non-coding transcript variant (1).
Genome position (GRCh38, 1-based): chr19:11,027,817, G>A. VCF-style: chr19-11027817-G-A. GRCh37 (hg19) VCF-style: chr19-11138493-G-A.
Other names: c.3249G>A, p.Glu1083= (NM_001128844.3, NM_001128845.2, NM_001128846.2 and 6 more transcripts); c.3249G>A (NM_001128849.1).
Identifiers: ClinVar variation 2905910 (VCV002905910.4), dbSNP rs1600335341, ClinGen allele CA505491739.
Genomic context (GRCh38, chr19:11,027,817, plus strand): 5'-TTCTCTCCTGCCTCCTCCACACTCCAGGCTGGACCTGTACCGAGCCTCGGGTAAATTTGA[G>A]CTTCTTGATAGAATTCTTCCCAAACTCCGAGCAACCAACCACAAAGTGCTGCTGTTCTGC-3'
Protein context (NP_003063.2, residues 1073-1093): LDLYRASGKF[Glu1083=]LLDRILPKLR

ClinVar aggregate classification (germline): Conflicting classifications of pathogenicity. Review status: criteria provided, conflicting classifications (1 of 4 stars). 2 submissions from 2 submitters: Uncertain significance (1); Likely benign (1). Last evaluated 2026-06-09.

Conditions:
Hereditary cancer-predisposing syndrome. Also called: Hereditary neoplastic syndrome; Neoplastic Syndromes, Hereditary; Tumor predisposition; Hereditary Cancer Syndrome. Identifiers: Orphanet 140162, MedGen C0027672, MeSH D009386, MONDO:0015356.
Rhabdoid tumor predisposition syndrome 2 (RTPS2). Identifiers: Orphanet 231108, Orphanet 69077, MedGen C2750074, MONDO:0013224, OMIM 613325.

Allele frequency attached by ClinVar (database versions not stated): gnomAD exomes below 0.00001.
gnomAD v4.1: 3 of 1,614,120 alleles (0.00019%); highest among the groups gnomAD compares: Non-Finnish European, 0.00017%; no homozygotes.

Submissions (2):

Ambry Genetics
Classification: Uncertain significance for Hereditary cancer-predisposing syndrome. Last evaluated: 2026-06-09. Review status: criteria provided, single submitter. Criteria: Ambry Variant Classification Scheme 2023. Collection method: clinical testing. Allele origin: germline.
Comment: The c.3249G>A variant (also known as p.E1083E), located in coding exon 23 of the SMARCA4 gene, results from a G to A substitution at nucleotide position 3249. This nucleotide substitution does not change the amino acid at codon 1083. This nucleotide position is well conserved in available vertebrate species. In silico splice site analysis for this alteration is inconclusive. Direct evidence is insufficient at this time (Ambry internal data). Based on the available evidence, the clinical significance of this variant remains unclear.

Labcorp Genetics (formerly Invitae), Labcorp
Classification: Likely benign for Rhabdoid tumor predisposition syndrome 2. Last evaluated: 2023-02-13. Review status: criteria provided, single submitter. Criteria: Invitae Variant Classification Sherloc (09022015). Collection method: clinical testing. Allele origin: germline.